The following is an entry in ClinVar:

ClinVar aggregate classification (germline): Uncertain significance (1 of 4 stars; one submission).

Conditions:
Hereditary pancreatitis (PCTT). Also called: Hereditary chronic pancreatitis; PRSS1-Related Hereditary Pancreatitis. Identifiers: Orphanet 676, MedGen C0238339, MONDO:0008185, OMIM 167800.

Submission:

Ambry Genetics
Classification: Uncertain significance for Hereditary pancreatitis. Last evaluated: 2023-05-21. Review status: criteria provided, single submitter. Criteria: Ambry Variant Classification Scheme 2023. Collection method: clinical testing. Allele origin: germline.
Comment: The p.I111N variant (also known as c.332T>A), located in coding exon 3 of the PRSS1 gene, results from a T to A substitution at nucleotide position 332. The isoleucine at codon 111 is replaced by asparagine, an amino acid with dissimilar properties. This amino acid position is conserved. In addition, this alteration is predicted to be deleterious by in silico analysis. Since supporting evidence is limited at this time, the clinical significance of this alteration remains unclear.

NM_002769.5(PRSS1):c.332T>A (p.Ile111Asn)

Genes: PRSS1 (serine protease 1; plus strand), TRB (T cell receptor beta locus; plus strand). Cytogenetic location: 7q34.
Variant type: single nucleotide variant.
Coding change: c.332T>A on transcript NM_002769.5 (MANE Select); coding-DNA position 332, T replaced by A.
Protein change: p.Ile111Asn; replaces isoleucine 111 with asparagine.
Molecular consequence: missense variant. On other transcripts: non-coding transcript variant (4).
Genome position (GRCh38, 1-based): chr7:142,751,905, T>A. VCF-style: chr7-142751905-T-A. GRCh37 (hg19) VCF-style: chr7-142459756-T-A.
Other names: short protein forms I111N.
Identifiers: ClinVar variation 2563196 (VCV002563196.2), dbSNP rs2485753763, ClinGen allele CA369608824.